The following is an entry in ClinVar:

NM_133259.4(LRPPRC):c.1880G>T (p.Arg627Leu)

Gene: LRPPRC (leucine rich pentatricopeptide repeat containing; minus strand). Cytogenetic location: 2p21.
Variant type: single nucleotide variant.
Coding change: c.1880G>T on transcript NM_133259.4 (MANE Select); coding-DNA position 1880, G replaced by T.
Protein change: p.Arg627Leu; replaces arginine 627 with leucine.
Molecular consequence: missense variant.
Genome position (GRCh38, 1-based): chr2:43,948,162, C>A on the plus strand (G>T on the coding strand, the complement: LRPPRC is on the minus strand). VCF-style: chr2-43948162-C-A. GRCh37 (hg19) VCF-style: chr2-44175301-C-A.
Other names: short protein forms R627L.
Identifiers: ClinVar variation 4852469 (VCV004852469.1).

ClinVar aggregate classification (germline): Uncertain significance (1 of 4 stars; one submission).

Conditions:
Intellectual disability. Also called: Intellectual functioning disability; intellectual disabilities; Intellectual developmental disorder. Identifiers: MedGen C3714756, MeSH D008607, MONDO:0001071, HP:0001249.

gnomAD v4.1: 23 of 1,606,918 alleles (0.0014%); highest among the groups gnomAD compares: Middle Eastern, 0.016%; no homozygotes.

Submission:

Clinical Genetics Laboratory, Skane University Hospital Lund
Classification: Uncertain significance for Intellectual disability. Last evaluated: 2026-06-02. Review status: criteria provided, single submitter. Criteria: ACMG Guidelines, 2015. Collection method: clinical testing. Allele origin: biparental. Inheritance: Autosomal recessive inheritance. Affected: yes.
Comment: Detected in a homozygous state. ACMG criteria applied: PM2, BP4.